The following is an entry in ClinVar:

NM_025114.4(CEP290):c.3310-2A>G

Gene: CEP290 (centrosomal protein 290; minus strand). Cytogenetic location: 12q21.32.
Variant type: single nucleotide variant.
Coding change: c.3310-2A>G on transcript NM_025114.4 (MANE Select); the canonical splice acceptor site of the intron before coding-DNA position 3310, A replaced by G.
Molecular consequence: splice acceptor variant.
Genome position (GRCh38, 1-based): chr12:88,092,834, T>C on the plus strand (A>G on the coding strand, the complement: CEP290 is on the minus strand). VCF-style: chr12-88092834-T-C. GRCh37 (hg19) VCF-style: chr12-88486611-T-C.
Identifiers: ClinVar variation 1071206 (VCV001071206.10), dbSNP rs2137345150, ClinGen allele CA386004787.

ClinVar aggregate classification (germline): Pathogenic/Likely pathogenic. Review status: criteria provided, multiple submitters, no conflicts (2 of 4 stars). 2 submissions from 2 submitters: Pathogenic (1); Likely pathogenic (1). Last evaluated 2024-10-07.

Conditions:
Nephronophthisis. Also called: Juvenile Nephronophthisis. Identifiers: MedGen C0687120, MONDO:0019005, HP:0000090, Orphanet 655.
Joubert syndrome. Also called: JOUBERT-BOLTSHAUSER SYNDROME; Familial aplasia of the vermis. Identifiers: Orphanet 475, MedGen C5979921, MONDO:0018772.
Meckel-Gruber syndrome. Also called: DYSENCEPHALIA SPLANCHNOCYSTICA; GRUBER SYNDROME; Dysencephalia splachnocystica. Identifiers: Orphanet 564, MedGen C0265215, MONDO:0018921.
CEP290-related disorder. Also called: CEP290-related condition; CEP290-related disorders. Identifiers: MedGen CN239314.

Allele frequency attached by ClinVar (database versions not stated): gnomAD exomes below 0.00001.
gnomAD v4.1: 2 of 1,608,088 alleles (0.00012%); highest among the groups gnomAD compares: South Asian, 0.0022%; no homozygotes.

Submissions (2):

Blueprint Genetics
Classification: Likely pathogenic for CEP290-related disorders. Last evaluated: 2024-10-07. Review status: criteria provided, single submitter. Criteria: ACMG Guidelines, 2015. Collection method: clinical testing. Allele origin: germline. Affected: yes. Observed: 2 variant alleles.

Labcorp Genetics (formerly Invitae), Labcorp
Classification: Pathogenic for Joubert syndrome; Meckel-Gruber syndrome; Nephronophthisis. Last evaluated: 2020-08-17. Review status: criteria provided, single submitter. Criteria: Invitae Variant Classification Sherloc (09022015). Collection method: clinical testing. Allele origin: germline.
Comment: Disruption of this splice site has been observed in individual(s) with clinical features of Joubert syndrome (PMID: 17409309). This variant is not present in population databases (ExAC no frequency). This sequence change affects an acceptor splice site in intron 28 of the CEP290 gene. It is expected to disrupt RNA splicing and likely results in an absent or disrupted protein product. Algorithms developed to predict the effect of sequence changes on RNA splicing suggest that this variant may disrupt the consensus splice site, but this prediction has not been confirmed by published transcriptional studies. For these reasons, this variant has been classified as Pathogenic. Donor and acceptor splice site variants typically lead to a loss of protein function (PMID: 16199547), and loss-of-function variants in CEP290 are known to be pathogenic (PMID: 16909394, 17345604, 20690115, 25377065, 28559085).

Literature cited by the submitters: PubMed 17409309 (cited by Labcorp Genetics (formerly Invitae), Labcorp); PubMed 16199547 (cited by Labcorp Genetics (formerly Invitae), Labcorp); PubMed 16909394 (cited by Labcorp Genetics (formerly Invitae), Labcorp); PubMed 17345604 (cited by Labcorp Genetics (formerly Invitae), Labcorp); PubMed 20690115 (cited by Labcorp Genetics (formerly Invitae), Labcorp); PubMed 25377065 (cited by Labcorp Genetics (formerly Invitae), Labcorp); PubMed 28559085 (cited by Labcorp Genetics (formerly Invitae), Labcorp).